The following is an entry in ClinVar:

ClinVar aggregate classification (germline): Uncertain significance (1 of 4 stars; one submission).

Conditions:
Cardiovascular phenotype. Identifiers: MedGen CN230736.

Allele frequency attached by ClinVar (database versions not stated): TOPMed below 0.00001; gnomAD 0.00001.

Submission:

Ambry Genetics
Classification: Uncertain significance for Cardiovascular phenotype. Last evaluated: 2020-02-11. Review status: criteria provided, single submitter. Criteria: Ambry Variant Classification Scheme 2023. Collection method: clinical testing. Allele origin: germline.
Comment: The p.N2704S variant (also known as c.8111A>G), located in coding exon 33 of the TTN gene, results from an A to G substitution at nucleotide position 8111. The asparagine at codon 2704 is replaced by serine, an amino acid with highly similar properties. This amino acid position is not well conserved in available vertebrate species, and serine is the reference amino acid in other vertebrate species. In addition, this alteration is predicted to be tolerated by in silico analysis. Since supporting evidence is limited at this time, the clinical significance of this alteration remains unclear.

NM_001267550.2(TTN):c.8249A>G (p.Asn2750Ser)

Gene: TTN (titin; minus strand). Cytogenetic location: 2q31.2.
Variant type: single nucleotide variant.
Coding change: c.8249A>G on transcript NM_001267550.2 (MANE Select); coding-DNA position 8249, A replaced by G.
Protein change: p.Asn2750Ser; replaces asparagine 2750 with serine.
Molecular consequence: missense variant.
Genome position (GRCh38, 1-based): chr2:178,770,543, T>C on the plus strand (A>G on the coding strand, the complement: TTN is on the minus strand). VCF-style: chr2-178770543-T-C. GRCh37 (hg19) VCF-style: chr2-179635270-T-C.
Other names: c.8249A>G, p.Asn2750Ser (NM_001256850.1, NM_133378.4, NM_133379.5); c.8111A>G, p.Asn2704Ser (NM_003319.4, NM_133432.3, NM_133437.4); short protein forms N2704S, N2750S.
Identifiers: ClinVar variation 1762050 (VCV001762050.2), dbSNP rs1471538206, ClinGen allele CA349677809.